The following is an entry in ClinVar:

NM_015599.3(PGM3):c.1513C>T (p.Arg505Ter)

Genes: DOP1A (DOP1 leucine zipper like protein A; plus strand), PGM3 (phosphoglucomutase 3; minus strand). Cytogenetic location: 6q14.1.
Variant type: single nucleotide variant.
Coding change: c.1513C>T on transcript NM_015599.3 (MANE Select); coding-DNA position 1513, C replaced by T.
Protein change: p.Arg505Ter; replaces arginine 505 with a stop codon.
Molecular consequence: nonsense. On other transcripts: non-coding transcript variant (2).
Genome position (GRCh38, 1-based): chr6:83,170,331, G>A on the plus strand (C>T on the coding strand, the complement: PGM3 is on the minus strand). VCF-style: chr6-83170331-G-A. GRCh37 (hg19) VCF-style: chr6-83880050-G-A.
Other names: c.1597C>T (NM_001199917.1); c.1597C>T, p.Arg533Ter (NM_001199917.2, NM_001367287.1); c.1270C>T, p.Arg424Ter (NM_001199918.2); c.1513C>T, p.Arg505Ter (NM_001199919.2); c.1390C>T, p.Arg464Ter (NM_001367286.1); short protein forms R424*, R464*, R505*, R533*.
Identifiers: ClinVar variation 1022643 (VCV001022643.8), dbSNP rs1786845541, ClinGen allele CA364878289.

ClinVar aggregate classification (germline): Conflicting classifications of pathogenicity. Review status: criteria provided, conflicting classifications (1 of 4 stars). 3 submissions from 3 submitters: Likely pathogenic (1); Uncertain significance (2). Last evaluated 2025-07-31.

Conditions:
Inborn genetic diseases. Identifiers: MedGen C0950123, MeSH D030342.
Immunodeficiency 23 (IMD23). Also called: IMMUNODEFICIENCY WITH HYPER IgE AND COGNITIVE IMPAIRMENT; IMMUNODEFICIENCY-VASCULITIS-MYOCLONUS SYNDROME. Identifiers: Orphanet 443811, MedGen C4014371, MONDO:0014353, OMIM 615816.

Allele frequency attached by ClinVar (database versions not stated): gnomAD exomes 0.00001.
gnomAD v4.1: 8 of 1,613,994 alleles (0.0005%); highest among the groups gnomAD compares: Non-Finnish European, 0.00068%; no homozygotes.

Submissions (3):

Labcorp Genetics (formerly Invitae), Labcorp
Classification: Uncertain significance for Immunodeficiency 23. Last evaluated: 2025-07-31. Review status: criteria provided, single submitter. Criteria: Invitae Variant Classification Sherloc (09022015). Collection method: clinical testing. Allele origin: germline.
Comment: This sequence change creates a premature translational stop signal (p.Arg533*) in the PGM3 gene. While this is not anticipated to result in nonsense mediated decay, it is expected to disrupt the last 38 amino acid(s) of the PGM3 protein. This variant is not present in population databases (gnomAD no frequency). This variant has not been reported in the literature in individuals affected with PGM3-related conditions. ClinVar contains an entry for this variant (Variation ID: 1022643). Experimental studies and prediction algorithms are not available or were not evaluated, and the functional significance of this variant is currently unknown. In summary, the available evidence is currently insufficient to determine the role of this variant in disease. Therefore, it has been classified as a Variant of Uncertain Significance.

Ambry Genetics
Classification: Uncertain significance for Inborn genetic diseases. Last evaluated: 2021-08-10. Review status: criteria provided, single submitter. Criteria: Ambry Variant Classification Scheme 2023. Collection method: clinical testing. Allele origin: germline.
Comment: Not expected to trigger nonsense-mediated mRNA decay Based on insufficient or conflicting evidence, the clinical significance of this alteration remains unclear.

New York Genome Center
Classification: Likely pathogenic for Immunodeficiency 23. Last evaluated: 2021-03-27. Review status: criteria provided, single submitter. Criteria: NYGC Assertion Criteria 2020. Collection method: clinical testing. Allele origin: inherited. Observed: 1 heterozygote. Study: CSER-NYCKidSeq.